The following is an entry in ClinVar:

NM_001320752.2(STS):c.805C>T (p.Arg269Trp)

Gene: STS (steroid sulfatase; plus strand). Cytogenetic location: Xp22.31.
Variant type: single nucleotide variant.
Coding change: c.805C>T on transcript NM_001320752.2 (MANE Select); coding-DNA position 805, C replaced by T.
Protein change: p.Arg269Trp; replaces arginine 269 with tryptophan.
Molecular consequence: missense variant.
Genome position (GRCh38, 1-based): chrX:7,259,771, C>T. VCF-style: chrX-7259771-C-T. GRCh37 (hg19) VCF-style: chrX-7177812-C-T.
Other names: c.820C>T (NM_000351.4); c.805C>T, p.Arg269Trp (NM_000351.7, NM_001320753.2, NM_001320754.2); c.841C>T, p.Arg281Trp (NM_001320750.3, NM_001320751.2); short protein forms R281W, R269W.
Identifiers: ClinVar variation 2155041 (VCV002155041.5), dbSNP rs146117456, ClinGen allele CA10342028.

ClinVar aggregate classification (germline): Conflicting classifications of pathogenicity. Review status: criteria provided, conflicting classifications (1 of 4 stars). 2 submissions from 2 submitters: Uncertain significance (1); Likely benign (1). Last evaluated 2025-06-11.

Allele frequency attached by ClinVar (database versions not stated): ExAC 0.00006; gnomAD 0.00007; TOPMed 0.00017; ESP Exome Variant Server 0.00019.
gnomAD v4.1: 36 of 1,207,868 alleles (0.003%); highest among the groups gnomAD compares: African/African-American, 0.021%; no homozygotes.

Submissions (2):

GeneDx
Classification: Uncertain significance. Last evaluated: 2025-06-11. Review status: criteria provided, single submitter. Criteria: GeneDx Variant Classification Process June 2021. Collection method: clinical testing. Allele origin: germline. Affected: yes.
Comment: In silico analysis supports that this missense variant has a deleterious effect on protein structure/function; Has not been previously published as pathogenic or benign to our knowledge

Labcorp Genetics (formerly Invitae), Labcorp
Classification: Likely benign. Last evaluated: 2022-01-02. Review status: criteria provided, single submitter. Criteria: Invitae Variant Classification Sherloc (09022015). Collection method: clinical testing. Allele origin: germline.